The following is an entry in ClinVar:

NM_004656.4(BAP1):c.79G>A (p.Val27Met)

Gene: BAP1 (BRCA1 associated deubiquitinase 1; minus strand). Cytogenetic location: 3p21.1.
Variant type: single nucleotide variant.
Coding change: c.79G>A on transcript NM_004656.4 (MANE Select); coding-DNA position 79, G replaced by A.
Protein change: p.Val27Met; replaces valine 27 with methionine.
Molecular consequence: missense variant.
Genome position (GRCh38, 1-based): chr3:52,409,597, C>T on the plus strand (G>A on the coding strand, the complement: BAP1 is on the minus strand). VCF-style: chr3-52409597-C-T. GRCh37 (hg19) VCF-style: chr3-52443613-C-T.
Other names: c.79G>A, p.Val27Met (NM_001410772.1); short protein forms V27M.
Identifiers: ClinVar variation 1761578 (VCV001761578.2), dbSNP rs2153228546, ClinGen allele CA353114721.
Genomic context (GRCh38, chr3:52,409,597, plus strand): 5'-GGTGTACAGCCACTCACCCCTGACATTTGCTCTGAAGGTCGTAGATCTCCTCCACTTGCA[C>T]CCCCTTGACACCTGCGATGAGGAAAGGAAAGCAGTAGGGAAGGACAGCCCCTGATGAGTG-3'
Protein context (NP_004647.1, residues 17-37): LLVEDFGVKG[Val27Met]QVEEIYDLQS

ClinVar aggregate classification (germline): Uncertain significance (1 of 4 stars; one submission).

Conditions:
Hereditary cancer-predisposing syndrome. Also called: Neoplastic Syndromes, Hereditary; Tumor predisposition; Hereditary Cancer Syndrome; Hereditary neoplastic syndrome. Identifiers: Orphanet 140162, MedGen C0027672, MeSH D009386, MONDO:0015356.

Submission:

Ambry Genetics
Classification: Uncertain significance for Hereditary cancer-predisposing syndrome. Last evaluated: 2020-01-30. Review status: criteria provided, single submitter. Criteria: Ambry Variant Classification Scheme 2023. Collection method: clinical testing. Allele origin: germline.
Comment: The p.V27M variant (also known as c.79G>A), located in coding exon 3 of the BAP1 gene, results from a G to A substitution at nucleotide position 79. The valine at codon 27 is replaced by methionine, an amino acid with highly similar properties. This amino acid position is highly conserved in available vertebrate species. In addition, this alteration is predicted to be deleterious by in silico analysis. Since supporting evidence is limited at this time, the clinical significance of this alteration remains unclear.